The following is an entry in ClinVar:

ClinVar aggregate classification (germline): Likely benign. Review status: criteria provided, multiple submitters, no conflicts (2 of 4 stars). 2 submissions from 2 submitters: Likely benign (2). Last evaluated 2026-03-01.

Allele frequency attached by ClinVar (database versions not stated): ExAC 0.00002; ESP Exome Variant Server 0.00008.
gnomAD v4.1: 41 of 1,613,808 alleles (0.0025%); highest among the groups gnomAD compares: East Asian, 0.0067%; no homozygotes.

Submissions (2):

CeGaT Center for Human Genetics Tuebingen
Classification: Likely benign. Last evaluated: 2026-03-01. Review status: criteria provided, single submitter. Criteria: CeGaT Center For Human Genetics Tuebingen Variant Classification Criteria Version 2. Collection method: clinical testing. Allele origin: germline. Affected: yes. Observed: 1 variant allele.
Comment: NLGN2: BP4, BP7

Labcorp Genetics (formerly Invitae), Labcorp
Classification: Likely benign. Last evaluated: 2023-05-11. Review status: criteria provided, single submitter. Criteria: Invitae Variant Classification Sherloc (09022015). Collection method: clinical testing. Allele origin: germline.

NM_020795.4(NLGN2):c.1467G>A (p.Ala489=)

Gene: NLGN2 (neuroligin 2; plus strand). Cytogenetic location: 17p13.1.
Variant type: single nucleotide variant.
Coding change: c.1467G>A on transcript NM_020795.4 (MANE Select); coding-DNA position 1467, G replaced by A.
Protein change: p.Ala489=; no amino-acid change (alanine 489 retained).
Molecular consequence: synonymous variant.
Genome position (GRCh38, 1-based): chr17:7,415,940, G>A. VCF-style: chr17-7415940-G-A. GRCh37 (hg19) VCF-style: chr17-7319259-G-A.
Identifiers: ClinVar variation 2899640 (VCV002899640.7), dbSNP rs375685202, ClinGen allele CA8346076.